The following is an entry in ClinVar:

ClinVar aggregate classification (germline): Pathogenic (1 of 4 stars; one submission).

Conditions:
Hereditary breast ovarian cancer syndrome. Also called: Breast and ovarian cancer; BRCA1- and BRCA2-Associated Hereditary Breast and Ovarian Cancer; Hereditary breast and/or ovarian cancer syndrome; Hereditary breast and ovarian cancer; Hereditary breast and ovarian cancer syndrome (HBOC); Hereditary breast and ovarian cancer syndrome. Identifiers: Orphanet 145, MedGen C0677776, MeSH D061325, MONDO:0003582. Disease mechanism: loss of function.

Submission:

Labcorp Genetics (formerly Invitae), Labcorp
Classification: Pathogenic for Hereditary breast ovarian cancer syndrome. Last evaluated: 2025-10-20. Review status: criteria provided, single submitter. Criteria: Invitae Variant Classification Sherloc (09022015). Collection method: clinical testing. Allele origin: germline.
Comment: This sequence change creates a premature translational stop signal (p.Asp3108Thrfs*12) in the BRCA2 gene. It is expected to result in an absent or disrupted protein product. Loss-of-function variants in BRCA2 are known to be pathogenic (PMID: 20104584). This variant is not present in population databases (gnomAD no frequency). This variant has not been reported in the literature in individuals affected with BRCA2-related conditions. ClinVar contains an entry for this variant (Variation ID: 3721215). For these reasons, this variant has been classified as Pathogenic.

Literature cited by the submitters: PubMed 20104584.

NM_000059.4(BRCA2):c.9322del (p.Asp3108fs)

Gene: BRCA2 (BRCA2 DNA repair associated; plus strand). Cytogenetic location: 13q13.1.
Variant type: Deletion.
Coding change: c.9322del on transcript NM_000059.4 (MANE Select); coding-DNA position 9322, one base deleted (G; older notation c.9322delG).
Protein change: p.Asp3108fs; shifts the reading frame from aspartic acid 3108.
Molecular consequence: frameshift variant. On other transcripts: non-coding transcript variant (1).
Genome position (GRCh38, 1-based): chr13:32,394,754, G deleted. VCF-style (leftmost placement, unchanged base first): chr13-32394753-AG-A. GRCh37 (hg19) VCF-style: chr13-32968890-AG-A.
Other names: c.9226del, p.Asp3076fs (NM_001406719.1); c.9271del, p.Asp3091fs (NM_001406720.1); c.4390del, p.Asp1464fs (NM_001406721.1); c.2905del, p.Asp969fs (NM_001406722.1); c.9322del, p.Asp3108fs (NM_001432077.1); short protein forms D1464fs, D3076fs, D3091fs, D3108fs, D969fs.
Identifiers: ClinVar variation 3721215 (VCV003721215.2).